The following is an entry in ClinVar:

ClinVar aggregate classification (germline): Pathogenic (1 of 4 stars; one submission).

Conditions:
Marfan syndrome (MFS). Also called: FBN1-Related Marfan Syndrome; MARFAN SYNDROME, TYPE I; Marfan syndrome type 1; Marfan's syndrome; Marfan syndrome, classic. Identifiers: Orphanet 284963, Orphanet 558, MedGen C0024796, MONDO:0007947, OMIM 154700.
Familial thoracic aortic aneurysm and aortic dissection (TAAD). Also called: Thoracic aortic aneurysms and dissections. Identifiers: Orphanet 91387, MedGen C4707243, MONDO:0019625.

Submission:

Labcorp Genetics (formerly Invitae), Labcorp
Classification: Pathogenic for Marfan syndrome; Familial thoracic aortic aneurysm and aortic dissection. Last evaluated: 2025-05-30. Review status: criteria provided, single submitter. Criteria: Invitae Variant Classification Sherloc (09022015). Collection method: clinical testing. Allele origin: germline.
Comment: This sequence change replaces cysteine, which is neutral and slightly polar, with serine, which is neutral and polar, at codon 2522 of the FBN1 protein (p.Cys2522Ser). This variant is not present in population databases (gnomAD no frequency). This missense change has been observed in individuals with Marfan syndrome (PMID: 10756346; internal data). Invitae Evidence Modeling of protein sequence and biophysical properties (such as structural, functional, and spatial information, amino acid conservation, physicochemical variation, residue mobility, and thermodynamic stability) indicates that this missense variant is expected to disrupt FBN1 protein function with a positive predictive value of 95%. This variant affects a cysteine residue in the EGF-like, TGFBP or hybrid motif domains of FBN1. Cysteine residues are believed to be involved in intramolecular disulfide bridges and have been shown to be important for FBN1 protein structure (PMID: 16905551, 19349279). In addition, missense substitutions affecting cysteine residues within these domains are significantly overrepresented among patients with Marfan syndrome (PMID: 16571647, 17701892). This variant disrupts the p.Cys2522 amino acid residue in FBN1. Other variant(s) that disrupt this residue have been observed in individuals with FBN1-related conditions (PMID: 10756346, 19533785), which suggests that this may be a clinically significant amino acid residue. For these reasons, this variant has been classified as Pathogenic.

Literature cited by the submitters: PubMed 10756346; PubMed 16905551; PubMed 19349279; PubMed 16571647; PubMed 17701892; PubMed 19533785.

NM_000138.5(FBN1):c.7565G>C (p.Cys2522Ser)

Gene: FBN1 (fibrillin 1; minus strand). Cytogenetic location: 15q21.1.
Variant type: single nucleotide variant.
Coding change: c.7565G>C on transcript NM_000138.5 (MANE Select); coding-DNA position 7565, G replaced by C.
Protein change: p.Cys2522Ser; replaces cysteine 2522 with serine.
Molecular consequence: missense variant.
Genome position (GRCh38, 1-based): chr15:48,421,957, C>G on the plus strand (G>C on the coding strand, the complement: FBN1 is on the minus strand). VCF-style: chr15-48421957-C-G. GRCh37 (hg19) VCF-style: chr15-48714154-C-G.
Other names: c.7565G>C, p.Cys2522Ser (NM_001406716.1); short protein forms C2522S.
Identifiers: ClinVar variation 4783786 (VCV004783786.1).
Genomic context (GRCh38, chr15:48,421,957, plus strand): 5'-AATCCCTTAAAAGAATCGCTACAATCCATGTAGGATTTTTTCCTCTCCTACTCACCAATG[C>G]AGGACGTATGGTGTTGGGTAAATCCGGGAGGACATTTGCATGTGAAGCCGCCAATGGTGT-3'
Protein context (NP_000129.3, residues 2512-2532): PPGFTQHHTS[Cys2522Ser]IDNNECTSDI